The following is an entry in ClinVar:

NC_000002.11:g.(?_112686677)_(112786441_?)dup

Gene: MERTK (MER proto-oncogene, tyrosine kinase; plus strand). Cytogenetic location: 2q13.
Variant type: Duplication.
Identifiers: ClinVar variation 1400839 (VCV001400839.4).

ClinVar aggregate classification (germline): Uncertain significance (1 of 4 stars; one submission).

Submission:

Labcorp Genetics (formerly Invitae), Labcorp
Classification: Uncertain significance. Last evaluated: 2022-07-26. Review status: criteria provided, single submitter. Criteria: Invitae Variant Classification Sherloc (09022015). Collection method: clinical testing. Allele origin: germline.
Comment: This variant results in a copy number gain of the genomic region encompassing exon(s) 2-19 of the MERTK gene. This region includes the termination codon of the gene. This copy number gain extends beyond the assayed region for this gene and therefore may encompass additional genes. As the precise location of this event is unknown, it may be in tandem or it may be located elsewhere in the genome. This variant has not been reported in the literature in individuals affected with MERTK-related conditions. Experimental studies and prediction algorithms are not available or were not evaluated, and the functional significance of this variant is currently unknown. In summary, the available evidence is currently insufficient to determine the role of this variant in disease. Therefore, it has been classified as a Variant of Uncertain Significance.